The following is an entry in ClinVar:

ClinVar aggregate classification (germline): Uncertain significance. Review status: criteria provided, multiple submitters, no conflicts (2 of 4 stars). 5 submissions from 5 submitters: Uncertain significance (5). Last evaluated 2025-09-05.

Conditions:
Hereditary cancer-predisposing syndrome. Also called: Hereditary neoplastic syndrome; Hereditary Cancer Syndrome; Tumor predisposition; Neoplastic Syndromes, Hereditary. Identifiers: Orphanet 140162, MedGen C0027672, MeSH D009386, MONDO:0015356.
Neuroblastoma, susceptibility to, 3. Also called: ALK-Related Neuroblastic Tumor Susceptibility. Identifiers: Orphanet 635, MedGen C2751681, MONDO:0013083, OMIM 613014.

Allele frequency attached by ClinVar (database versions not stated): gnomAD exomes below 0.00001 and 0.00001; ExAC 0.00001; gnomAD 0.00001; TOPMed 0.00001.
gnomAD v4.1: 10 of 1,614,014 alleles (0.00062%); highest among the groups gnomAD compares: Non-Finnish European, 0.00085%; no homozygotes.

Submissions (5):

Ambry Genetics
Classification: Uncertain significance for Hereditary cancer-predisposing syndrome. Last evaluated: 2025-09-05. Review status: criteria provided, single submitter. Criteria: Ambry Variant Classification Scheme 2023. Collection method: clinical testing. Allele origin: germline.
Comment: The p.A348D variant (also known as c.1043C>A), located in coding exon 4 of the ALK gene, results from a C to A substitution at nucleotide position 1043. The alanine at codon 348 is replaced by aspartic acid, an amino acid with dissimilar properties. This amino acid position is well conserved in available vertebrate species. In addition, the in silico prediction for this alteration is inconclusive. Based on the available evidence, the clinical significance of this variant remains unclear.

Labcorp Genetics (formerly Invitae), Labcorp
Classification: Uncertain significance for Neuroblastoma, susceptibility to, 3. Last evaluated: 2025-06-25. Review status: criteria provided, single submitter. Criteria: Invitae Variant Classification Sherloc (09022015). Collection method: clinical testing. Allele origin: germline.
Comment: This sequence change replaces alanine, which is neutral and non-polar, with aspartic acid, which is acidic and polar, at codon 348 of the ALK protein (p.Ala348Asp). This variant is present in population databases (rs760596486, gnomAD 0.002%). This variant has not been reported in the literature in individuals affected with ALK-related conditions. ClinVar contains an entry for this variant (Variation ID: 656656). An algorithm developed to predict the effect of missense changes on protein structure and function (PolyPhen-2) suggests that this variant is likely to be tolerated. In summary, the available evidence is currently insufficient to determine the role of this variant in disease. Therefore, it has been classified as a Variant of Uncertain Significance.

Institute for Genomic Medicine (IGM) Clinical Laboratory, Nationwide Children's Hospital
Classification: Uncertain significance for Neuroblastoma, susceptibility to, 3. Last evaluated: 2024-12-27. Review status: criteria provided, single submitter. Criteria: ACMG Guidelines, 2015. Collection method: clinical testing. Allele origin: germline.
Comment: Well-established functional studies have demonstrated this variant to have a damaging effect on protein function or splicing (ACMG/AMP: PS3_Supporting; PMID:26032424). This variant is predicted to be tolerated by multiple in silico tools (ACMG/AMP: BP4).

GeneDx
Classification: Uncertain significance. Last evaluated: 2024-02-23. Review status: criteria provided, single submitter. Criteria: GeneDx Variant Classification Process June 2021. Collection method: clinical testing. Allele origin: germline.
Comment: Not observed at significant frequency in large population cohorts (gnomAD); In silico analysis supports that this missense variant does not alter protein structure/function; Published functional studies demonstrate sensitivity to ALK kinase inhibitors (PMID: 26032424); This variant is associated with the following publications: (PMID: 33198314, 26032424)

Baylor Genetics
Classification: Uncertain significance for Neuroblastoma, susceptibility to, 3. Last evaluated: 2024-01-03. Review status: criteria provided, single submitter. Criteria: ACMG Guidelines, 2015. Collection method: clinical testing. Allele origin: unknown.

Literature cited by the submitters: PubMed 26032424 (cited by Institute for Genomic Medicine (IGM) Clinical Laboratory, Nationwide Children's Hospital).

NM_004304.5(ALK):c.1043C>A (p.Ala348Asp)

Gene: ALK (ALK receptor tyrosine kinase; minus strand). Cytogenetic location: 2p23.2.
Variant type: single nucleotide variant.
Coding change: c.1043C>A on transcript NM_004304.5 (MANE Select); coding-DNA position 1043, C replaced by A.
Protein change: p.Ala348Asp; replaces alanine 348 with aspartic acid.
Molecular consequence: missense variant.
Genome position (GRCh38, 1-based): chr2:29,532,026, G>T on the plus strand (C>A on the coding strand, the complement: ALK is on the minus strand). VCF-style: chr2-29532026-G-T. GRCh37 (hg19) VCF-style: chr2-29754892-G-T.
Other names: short protein forms A348D.
Identifiers: ClinVar variation 656656 (VCV000656656.12), dbSNP rs760596486, ClinGen allele CA1594777.
Genomic context (GRCh38, chr2:29,532,026, plus strand): 5'-TGGGGCAGCAGCTGGGCAATGTACCTTCCAGAGGGCTGCAGGTGCCTGTGCACCGAGACG[G>T]CCAGTGTGCAGTGCTCACTGCTGCTCCTCATCCACGGACTCAGGATGGTGTGCTTGGAGT-3'
Protein context (NP_004295.2, residues 338-358): MRSSSEHCTL[Ala348Asp]VSVHRHLQPS